The following is an entry in ClinVar:

NM_001714.4(BICD1):c.1980C>T (p.Ala660=)

Gene: BICD1 (BICD cargo adaptor 1; plus strand). Cytogenetic location: 12p11.21.
Variant type: single nucleotide variant.
Coding change: c.1980C>T on transcript NM_001714.4 (MANE Select); coding-DNA position 1980, C replaced by T.
Protein change: p.Ala660=; no amino-acid change (alanine 660 retained).
Molecular consequence: synonymous variant. On other transcripts: non-coding transcript variant (1).
Genome position (GRCh38, 1-based): chr12:32,328,435, C>T. VCF-style: chr12-32328435-C-T. GRCh37 (hg19) VCF-style: chr12-32481369-C-T.
Other names: c.1980C>T, p.Ala660= (NM_001003398.3, NM_001354186.2, NM_001354187.2 and 3 more transcripts).
Identifiers: ClinVar variation 402426 (VCV000402426.5), dbSNP rs34447944, ClinGen allele CA6506296.

ClinVar aggregate classification (germline): Benign. Review status: criteria provided, multiple submitters, no conflicts (2 of 4 stars). 2 submissions from 2 submitters: Benign (2). Last evaluated 2016-03-28.

Allele frequency attached by ClinVar (database versions not stated): 1000 Genomes Project 30x 0.04528; 1000 Genomes Project 0.04633; TOPMed 0.05773; gnomAD 0.05973 and 0.06110; ESP Exome Variant Server 0.06228; gnomAD exomes 0.07445 and 0.08219; ExAC 0.07496.
gnomAD v4.1: 129,425 of 1,614,082 alleles (8%); highest among the groups gnomAD compares: South Asian, 13%; 5,950 homozygotes.

Submissions (2):

Laboratory for Molecular Medicine, Mass General Brigham Personalized Medicine
Classification: Benign. Last evaluated: 2016-03-28. Review status: criteria provided, single submitter. Criteria: LMM Criteria. Collection method: clinical testing. Allele origin: germline.
Comment: Variant identified in a genome or exome case(s) and assessed due to predicted null impact of the variant or pathogenic assertions in the literature or databases. Disclaimer: This variant has not undergone full assessment. The following are preliminary notes: Frequency

Breakthrough Genomics
Classification: Benign. Review status: criteria provided, single submitter. Criteria: ACMG Guidelines, 2015. Collection method: not provided. Allele origin: germline. Inheritance: Unknown mechanism. Affected: yes.